The following is an entry in ClinVar:

NM_000350.3(ABCA4):c.6705dup (p.Val2236fs)

Gene: ABCA4 (ATP binding cassette subfamily A member 4; minus strand). Cytogenetic location: 1p22.1.
Variant type: Duplication.
Coding change: c.6705dup on transcript NM_000350.3 (MANE Select); coding-DNA position 6705, one base duplicated (A; older notation c.6705dupA).
Protein change: p.Val2236fs; shifts the reading frame from valine 2236.
Molecular consequence: frameshift variant.
Genome position (GRCh38, 1-based): chr1:93,997,885, T duplicated on the plus strand (A on the coding strand, the reverse complement: ABCA4 is on the minus strand). VCF-style (leftmost placement, unchanged base first): chr1-93997884-C-CT. GRCh37 (hg19) VCF-style: chr1-94463440-C-CT.
Other names: c.6483dup, p.Val2162Serfs (NM_001425324.1); c.6705dup (NM_000350.2); short protein forms V2236fs.
Identifiers: ClinVar variation 2844543 (VCV002844543.4), dbSNP rs2523614402, ClinGen allele CA2739272657.

ClinVar aggregate classification (germline): Pathogenic/Likely pathogenic. Review status: criteria provided, multiple submitters, no conflicts (2 of 4 stars). 2 submissions from 2 submitters: Pathogenic (1); Likely pathogenic (1). Last evaluated 2024-03-13.

Conditions:
Cone-rod dystrophy 3 (CORD3). Identifiers: Orphanet 1872, MedGen C1858806, MONDO:0011395, OMIM 604116.
Age related macular degeneration 2. Also called: MACULAR DEGENERATION, SENILE; MACULOPATHY, AGE-RELATED, 2; MACULOPATHY, AGE-RELATED. Identifiers: MedGen C3495438, MONDO:0007932, OMIM 153800.
Severe early-childhood-onset retinal dystrophy (STGD1). Also called: Stargardt macular dystrophy; Juvenile onset macular degeneration; Stargardt disease 1; MACULAR DYSTROPHY WITH FLECKS, TYPE 1; STGD. Identifiers: Orphanet 364055, Orphanet 827, MedGen C1855465, MeSH D000080362, MONDO:0009549, OMIM 248200.
Retinitis pigmentosa 19 (RP19). Also called: ABCA4-Related Retinitis Pigmentosa. Identifiers: Orphanet 791, MedGen C1866422, MONDO:0011137, OMIM 601718.

Submissions (2):

Fulgent Genetics
Classification: Likely pathogenic for Age related macular degeneration 2; Severe early-childhood-onset retinal dystrophy; Retinitis pigmentosa 19; Cone-rod dystrophy 3. Last evaluated: 2024-03-13. Review status: criteria provided, single submitter. Criteria: ACMG Guidelines, 2015. Collection method: clinical testing. Allele origin: germline.

Labcorp Genetics (formerly Invitae), Labcorp
Classification: Pathogenic. Last evaluated: 2023-03-09. Review status: criteria provided, single submitter. Criteria: Invitae Variant Classification Sherloc (09022015). Collection method: clinical testing. Allele origin: germline.
Comment: This variant has not been reported in the literature in individuals affected with ABCA4-related conditions. For these reasons, this variant has been classified as Pathogenic. This variant is not present in population databases (gnomAD no frequency). This sequence change creates a premature translational stop signal (p.Val2236Serfs*15) in the ABCA4 gene. It is expected to result in an absent or disrupted protein product. Loss-of-function variants in ABCA4 are known to be pathogenic (PMID: 10958761, 24938718, 25312043, 26780318).

Literature cited by the submitters: PubMed 10958761 (cited by Labcorp Genetics (formerly Invitae), Labcorp); PubMed 24938718 (cited by Labcorp Genetics (formerly Invitae), Labcorp); PubMed 25312043 (cited by Labcorp Genetics (formerly Invitae), Labcorp); PubMed 26780318 (cited by Labcorp Genetics (formerly Invitae), Labcorp).